The following is an entry in ClinVar:

NM_000257.4(MYH7):c.2921A>G (p.Lys974Arg)

Gene: MYH7 (myosin heavy chain 7; minus strand). Cytogenetic location: 14q11.2.
Variant type: single nucleotide variant.
Coding change: c.2921A>G on transcript NM_000257.4 (MANE Select); coding-DNA position 2921, A replaced by G.
Protein change: p.Lys974Arg; replaces lysine 974 with arginine.
Molecular consequence: missense variant.
Genome position (GRCh38, 1-based): chr14:23,423,908, T>C on the plus strand (A>G on the coding strand, the complement: MYH7 is on the minus strand). VCF-style: chr14-23423908-T-C. GRCh37 (hg19) VCF-style: chr14-23893117-T-C.
Other names: c.2921A>G, p.Lys974Arg (NM_001407004.1); short protein forms K974R.
Identifiers: ClinVar variation 3368772 (VCV003368772.1).

ClinVar aggregate classification (germline): Uncertain significance (1 of 4 stars; one submission).

Submission:

GeneDx
Classification: Uncertain significance. Last evaluated: 2024-02-08. Review status: criteria provided, single submitter. Criteria: GeneDx Variant Classification Process June 2021. Collection method: clinical testing. Allele origin: germline. Affected: yes.
Comment: Reported in a patient with dilated cardiomyopathy in published literature (Kone et al., 2019); Not observed at significant frequency in large population cohorts (gnomAD); In silico analysis supports that this missense variant does not alter protein structure/function; This variant is associated with the following publications: (PMID: Kone2019[casereport])